The following is an entry in ClinVar:

ClinVar aggregate classification (germline): Conflicting classifications of pathogenicity. Review status: criteria provided, conflicting classifications (1 of 4 stars). 12 submissions from 12 submitters: Pathogenic (5); Likely pathogenic (3); Uncertain significance (1). 3 of the submissions do not count toward it. Last evaluated 2026-07-07.

Conditions:
Primary hyperoxaluria, type I (HP1). Also called: GLYCOLIC ACIDURIA; HEPATIC AGT DEFICIENCY; OXALOSIS I; Primary hyperoxaluria type 1. Identifiers: Orphanet 416, Orphanet 93598, MedGen C0268164, MONDO:0009823, OMIM 259900. Disease mechanism: loss of function.

Allele frequency attached by ClinVar (database versions not stated): gnomAD below 0.00001 and 0.00001; gnomAD exomes 0.00003 and 0.00002; ExAC 0.00003.

Submissions (12):

Medgenome Labs Ltd
Classification: Uncertain significance for Primary hyperoxaluria, type I. Last evaluated: 2026-07-07. Review status: criteria provided, single submitter. Criteria: ACMG Guidelines, 2015. Collection method: clinical testing. Allele origin: germline. Affected: yes.

Kasturba Medical College, Manipal, Kasturba Medical College, Manipal, Manipal Academy of Higher Education, Manipal, India
Classification: Pathogenic for Primary hyperoxaluria, type I. Last evaluated: 2026-01-18. Review status: criteria provided, single submitter. Criteria: ACMG Guidelines, 2015. Collection method: research. Allele origin: unknown. Inheritance: Autosomal recessive inheritance. Affected: yes.
Comment: Parents samples were not available for testing. This variant is present in 23 individuals in heterozygous state (allele frequency: 0.00001426) in gnomAD (v4.1.0) population database. This variant has been noted in homozygous state in two more similarly affected individual and heterozygous state in an individual in our in-house data of 3942 exomes. In-silico analysis tools (REVEL, CADD_phred) predict the variant to be disease-causing and likely to affect the AGXT protein function.

Rare Kidney Stone Consortium and the Mayo Clinic Hyperoxaluria Center, Mayo Clinic
Classification: Pathogenic for Primary hyperoxaluria, type I. Last evaluated: 2025-10-03. Review status: criteria provided, single submitter. Criteria: ACMG Guidelines, 2015. Collection method: research. Allele origin: germline. Affected: yes. Observed: 1 variant allele.
Comment: ACMG:PM1, PM2, PP2, PP3, PP5

Natera, Inc.
Classification: Likely pathogenic for Primary hyperoxaluria type I. Last evaluated: 2025-06-17. Review status: criteria provided, single submitter. Criteria: Natera Variant Classification Schema (03/2026). Collection method: clinical testing. Allele origin: germline.
Comment: The c.302T>C variant in AGXT is a missense variant predicted to cause substitution of leucine to proline at amino acid 101. This variant is rare in the general population with a frequency below the threshold expected for the associated phenotype(s). This variant has been observed in one or more individuals affected with the associated recessive disease, as either homozygous or compound heterozygous with a second variant (PMID: 23439734). Additionally, this variant has been observed to segregate in affected family members (PMID: 18810341). This variant has been identified in one or more affected individuals with a phenotype highly consistent with the associated gene (PMID: 23439734). Computational prediction algorithms indicate this variant is likely to affect gene or protein function. Given the available evidence, this variant is classified as Likely Pathogenic.

Revvity Omics, Revvity
Classification: Pathogenic for Primary hyperoxaluria, type I. Last evaluated: 2024-09-04. Review status: criteria provided, single submitter. Criteria: ACMG Guidelines, 2015. Collection method: clinical testing. Allele origin: germline.

Labcorp Genetics (formerly Invitae), Labcorp
Classification: Pathogenic. Last evaluated: 2024-06-26. Review status: criteria provided, single submitter. Criteria: Invitae Variant Classification Sherloc (09022015). Collection method: clinical testing. Allele origin: germline.
Comment: This sequence change replaces leucine, which is neutral and non-polar, with proline, which is neutral and non-polar, at codon 101 of the AGXT protein (p.Leu101Pro). This variant is present in population databases (rs180177195, gnomAD 0.03%). This missense change has been observed in individual(s) with primary hyperoxaluria, type 1 (PMID: 23439734, 25013605). ClinVar contains an entry for this variant (Variation ID: 188866). Advanced modeling of protein sequence and biophysical properties (such as structural, functional, and spatial information, amino acid conservation, physicochemical variation, residue mobility, and thermodynamic stability) performed at Invitae indicates that this missense variant is expected to disrupt AGXT protein function with a positive predictive value of 80%. For these reasons, this variant has been classified as Pathogenic.

Fulgent Genetics
Classification: Likely pathogenic for Primary hyperoxaluria, type I. Last evaluated: 2024-06-14. Review status: criteria provided, single submitter. Criteria: ACMG Guidelines, 2015. Collection method: clinical testing. Allele origin: germline.

Neuberg Centre For Genomic Medicine, NCGM
Classification: Likely pathogenic for Primary hyperoxaluria, type I. Last evaluated: 2023-02-14. Review status: criteria provided, single submitter. Criteria: ACMG Guidelines, 2015. Collection method: clinical testing. Allele origin: germline. Inheritance: Autosomal recessive inheritance. Affected: yes.
Comment: The missense c.302T>C(p.Leu101Pro) variant in AGXT gene has been reported in homozygous state in individuals affected with primary Hyperoxaluria (Siegal D, et. al., 2011;Chanchlani R, et. al., 2012). The p.Leu101Pro variant is reported with an allele frequency of 0.003% in the gnomAD exomes database and is novel (not in any individuals) in 1000 Genomes database. The amino acid Leu at position 101 is changed to a Pro changing protein sequence and it might alter its composition and physico-chemical properties. This variant has been reported to the ClinVar database as Likely Pathogenic/ Pathogenic. The amino acid change p.Leu101Pro in AGXT is predicted as conserved by GERP++ and PhyloP across 100 vertebrates. Additional studies will be required to prove the pathogenicity of this variant. For these reasons, this variant has been classified as Likely Pathogenic.

CENTOGENE GmbH and LLC - Guiding Precision Medicine
Classification: Pathogenic for Type I primary hyperoxaluria. Review status: criteria provided, single submitter. Criteria: ACMG Guidelines, 2015. Collection method: clinical testing. Allele origin: germline. Affected: yes.

Clinical Biochemistry Laboratory, Health Services Laboratory
Classification: Pathogenic for Primary hyperoxaluria, type I. Last evaluated: 2014-11-27. Review status: no assertion criteria provided. Collection method: in vitro. Allele origin: germline. Affected: yes. Not counted in ClinVar's aggregate classification.

Counsyl
Classification: Likely pathogenic for Primary hyperoxaluria, type I. Last evaluated: 2014-07-07. Review status: no assertion criteria provided. Collection method: literature only. Allele origin: unknown. Inheritance: Autosomal recessive inheritance. Not counted in ClinVar's aggregate classification.

Hong-Tao Li Lab, Institute of Brain Science and Brain-inspired Research, Shandong First Medical University & Shandong Academy of Medical Sciences China
Classification: Pathogenic for Primary hyperoxaluria, type I. Review status: no assertion criteria provided. Collection method: research. Allele origin: germline. Inheritance: Autosomal recessive inheritance. Affected: yes. Observed: 1 variant allele, 1 homozygote. Not counted in ClinVar's aggregate classification.
Comment: Observed in affected individuals from a Pakistani neurodevelopmental-disorder research cohort of 263 individuals. Classification assigned using the ACMG/AMP framework. Population-frequency evidence: gnomAD AF 3.203e-05.

Literature cited by the submitters: PubMed 18810341 (cited by 3 submitters); PubMed 19479957 (cited by 3 submitters); PubMed 27512303 (cited by Rare Kidney Stone Consortium and the Mayo Clinic Hyperoxaluria Center, Mayo Clinic); PubMed 33083013 (cited by Rare Kidney Stone Consortium and the Mayo Clinic Hyperoxaluria Center, Mayo Clinic); PubMed 35812297 (cited by Rare Kidney Stone Consortium and the Mayo Clinic Hyperoxaluria Center, Mayo Clinic); PubMed 37803380 (cited by Rare Kidney Stone Consortium and the Mayo Clinic Hyperoxaluria Center, Mayo Clinic); PubMed 37464296 (cited by Rare Kidney Stone Consortium and the Mayo Clinic Hyperoxaluria Center, Mayo Clinic); PubMed 40794449 (cited by Rare Kidney Stone Consortium and the Mayo Clinic Hyperoxaluria Center, Mayo Clinic); PubMed 23439734 (cited by 3 submitters); PubMed 25013605 (cited by Labcorp Genetics (formerly Invitae), Labcorp); PubMed 23861508 (cited by Counsyl).

NM_000030.3(AGXT):c.302T>C (p.Leu101Pro)

Gene: AGXT (alanine--glyoxylate aminotransferase; plus strand). Cytogenetic location: 2q37.3.
Variant type: single nucleotide variant.
Coding change: c.302T>C on transcript NM_000030.3 (MANE Select); coding-DNA position 302, T replaced by C.
Protein change: p.Leu101Pro; replaces leucine 101 with proline.
Molecular consequence: missense variant.
Genome position (GRCh38, 1-based): chr2:240,869,306, T>C. VCF-style: chr2-240869306-T-C. GRCh37 (hg19) VCF-style: chr2-241808723-T-C.
Other names: short protein forms L101P.
Identifiers: ClinVar variation 188866 (VCV000188866.24), dbSNP rs180177195, ClinGen allele CA274058.
Genomic context (GRCh38, chr2:240,869,306, plus strand): 5'-CGGGACACTGTGCCCTGGAGGCCGCCCTGGTCAATGTGCTGGAGCCTGGGGACTCCTTCC[T>C]GGTTGGGGCCAATGGCATTTGGGGGCAGCGAGCCGTGGACATCGGGGAGCGCATAGGTAA-3'
Protein context (NP_000021.1, residues 91-111): VNVLEPGDSF[Leu101Pro]VGANGIWGQR